The following is an entry in ClinVar:

ClinVar aggregate classification (germline): Uncertain significance (1 of 4 stars; one submission).

Submission:

Labcorp Genetics (formerly Invitae), Labcorp
Classification: Uncertain significance. Last evaluated: 2024-07-29. Review status: criteria provided, single submitter. Criteria: Invitae Variant Classification Sherloc (09022015). Collection method: clinical testing. Allele origin: germline.
Comment: This sequence change replaces isoleucine, which is neutral and non-polar, with threonine, which is neutral and polar, at codon 1770 of the POLE protein (p.Ile1770Thr). This variant is not present in population databases (gnomAD no frequency). This variant has not been reported in the literature in individuals affected with POLE-related conditions. ClinVar contains an entry for this variant (Variation ID: 1001593). An algorithm developed to predict the effect of missense changes on protein structure and function (PolyPhen-2) suggests that this variant is likely to be tolerated. In summary, the available evidence is currently insufficient to determine the role of this variant in disease. Therefore, it has been classified as a Variant of Uncertain Significance.

NM_006231.4(POLE):c.5309T>C (p.Ile1770Thr)

Gene: POLE (DNA polymerase epsilon, catalytic subunit; minus strand). Cytogenetic location: 12q24.33.
Variant type: single nucleotide variant.
Coding change: c.5309T>C on transcript NM_006231.4 (MANE Select); coding-DNA position 5309, T replaced by C.
Protein change: p.Ile1770Thr; replaces isoleucine 1770 with threonine.
Molecular consequence: missense variant.
Genome position (GRCh38, 1-based): chr12:132,641,716, A>G on the plus strand (T>C on the coding strand, the complement: POLE is on the minus strand). VCF-style: chr12-132641716-A-G. GRCh37 (hg19) VCF-style: chr12-133218302-A-G.
Other names: short protein forms I1770T.
Identifiers: ClinVar variation 1001593 (VCV001001593.8), dbSNP rs2042146627, ClinGen allele CA387375999.
Genomic context (GRCh38, chr12:132,641,716, plus strand): 5'-TTAGAGCACAGGGCTGTCTCATCGTAGCTGGCCGGGGCACTGGCAGCCTGACCACCCGTG[A>G]TCATGTCCTCCAGGGAGGCCTGCTGGATCACGTCGAAGCTGATCCCCATGCTGTCGGCCC-3'
Protein context (NP_006222.2, residues 1760-1780): VIQQASLEDM[Ile1770Thr]TGGQAASAPA